The following is an entry in ClinVar:

NM_004064.5(CDKN1B):c.437A>G (p.Glu146Gly)

Gene: CDKN1B (cyclin dependent kinase inhibitor 1B; plus strand). Cytogenetic location: 12p13.1.
Variant type: single nucleotide variant.
Coding change: c.437A>G on transcript NM_004064.5 (MANE Select); coding-DNA position 437, A replaced by G.
Protein change: p.Glu146Gly; replaces glutamic acid 146 with glycine.
Molecular consequence: missense variant.
Genome position (GRCh38, 1-based): chr12:12,718,276, A>G. VCF-style: chr12-12718276-A-G. GRCh37 (hg19) VCF-style: chr12-12871210-A-G.
Other names: c.437A>G (NM_004064.3); short protein forms E146G.
Identifiers: ClinVar variation 1039096 (VCV001039096.9), dbSNP rs1946499383, ClinGen allele CA383970778.

ClinVar aggregate classification (germline): Uncertain significance. Review status: criteria provided, multiple submitters, no conflicts (2 of 4 stars). 2 submissions from 2 submitters: Uncertain significance (2). Last evaluated 2025-04-03.

Conditions:
Hereditary cancer-predisposing syndrome. Also called: Neoplastic Syndromes, Hereditary; Hereditary Cancer Syndrome; Tumor predisposition; Hereditary neoplastic syndrome. Identifiers: Orphanet 140162, MedGen C0027672, MeSH D009386, MONDO:0015356.
Multiple endocrine neoplasia type 4. Also called: MULTIPLE ENDOCRINE NEOPLASIA, TYPE IV. Identifiers: Orphanet 276152, MedGen C1970712, MONDO:0012552, OMIM 610755.

Submissions (2):

Ambry Genetics
Classification: Uncertain significance for Hereditary cancer-predisposing syndrome. Last evaluated: 2025-04-03. Review status: criteria provided, single submitter. Criteria: Ambry Variant Classification Scheme 2023. Collection method: clinical testing. Allele origin: germline.
Comment: The p.E146G variant (also known as c.437A>G), located in coding exon 1 of the CDKN1B gene, results from an A to G substitution at nucleotide position 437. The glutamic acid at codon 146 is replaced by glycine, an amino acid with similar properties. This amino acid position is conserved. In addition, this alteration is predicted to be tolerated by in silico analysis. Based on the available evidence, the clinical significance of this variant remains unclear.

Labcorp Genetics (formerly Invitae), Labcorp
Classification: Uncertain significance for Multiple endocrine neoplasia type 4. Last evaluated: 2024-02-11. Review status: criteria provided, single submitter. Criteria: Invitae Variant Classification Sherloc (09022015). Collection method: clinical testing. Allele origin: germline.
Comment: This sequence change replaces glutamic acid, which is acidic and polar, with glycine, which is neutral and non-polar, at codon 146 of the CDKN1B protein (p.Glu146Gly). This variant is not present in population databases (gnomAD no frequency). This variant has not been reported in the literature in individuals affected with CDKN1B-related conditions. ClinVar contains an entry for this variant (Variation ID: 1039096). An algorithm developed to predict the effect of missense changes on protein structure and function (PolyPhen-2) suggests that this variant is likely to be disruptive. In summary, the available evidence is currently insufficient to determine the role of this variant in disease. Therefore, it has been classified as a Variant of Uncertain Significance.